The following is an entry in ClinVar:

NM_001243133.2(NLRP3):c.2684C>A (p.Thr895Lys)

Gene: NLRP3 (NLR family pyrin domain containing 3; plus strand). Cytogenetic location: 1q44.
Variant type: single nucleotide variant.
Coding change: c.2684C>A on transcript NM_001243133.2 (MANE Select); coding-DNA position 2684, C replaced by A.
Protein change: p.Thr895Lys; replaces threonine 895 with lysine.
Molecular consequence: missense variant.
Genome position (GRCh38, 1-based): chr1:247,443,992, C>A. VCF-style: chr1-247443992-C-A. GRCh37 (hg19) VCF-style: chr1-247607294-C-A.
Other names: c.2684C>A, p.Thr895Lys (NM_001079821.3); c.2513C>A, p.Thr838Lys (NM_001127461.3, NM_001127462.3); c.2690C>A, p.Thr897Lys (NM_004895.5); c.2342C>A, p.Thr781Lys (NM_183395.3); short protein forms T781K, T895K, T838K, T897K.
Identifiers: ClinVar variation 2831567 (VCV002831567.4), dbSNP rs756586843, ClinGen allele CA345564782.

ClinVar aggregate classification (germline): Conflicting classifications of pathogenicity. Review status: criteria provided, conflicting classifications (1 of 4 stars). 2 submissions from 2 submitters: Uncertain significance (1); Likely benign (1). Last evaluated 2026-04-07.

Conditions:
Cryopyrin associated periodic syndrome (CAPS). Identifiers: Orphanet 208650, MedGen C2316212, MONDO:0016168.
Hearing loss, autosomal dominant 34, with or without inflammation. Also called: DEAFNESS, AUTOSOMAL DOMINANT 34, WITH OR WITHOUT INFLAMMATION. Identifiers: MedGen C4521680, MONDO:0033261, OMIM 617772.

gnomAD v4.1: 2 of 1,614,090 alleles (0.00012%); highest among the groups gnomAD compares: South Asian, 0.0022%; no homozygotes.

Submissions (2):

Centre for Medical Genetics,  Mumbai
Classification: Likely benign for Hearing loss, autosomal dominant 34, with or without inflammation. Last evaluated: 2026-04-07. Review status: criteria provided, single submitter. Criteria: ACMG Guidelines, 2015. Collection method: provider interpretation. Allele origin: germline. Inheritance: Autosomal dominant inheritance. Affected: no. Observed: 1 variant allele, 1 homozygote.
Comment: The variant satisfies PM2 criteria - extremely low frequency in gnomAD population databases. However, the variant satisfies BS2 criteria - present in homozygous state in an individual that clinically does not have Deafness, autosomal dominant 34, with or without inflammation.

Labcorp Genetics (formerly Invitae), Labcorp
Classification: Uncertain significance for Cryopyrin associated periodic syndrome. Last evaluated: 2023-01-24. Review status: criteria provided, single submitter. Criteria: Invitae Variant Classification Sherloc (09022015). Collection method: clinical testing. Allele origin: germline.
Comment: This sequence change replaces threonine, which is neutral and polar, with lysine, which is basic and polar, at codon 897 of the NLRP3 protein (p.Thr897Lys). This variant is not present in population databases (gnomAD no frequency). In summary, the available evidence is currently insufficient to determine the role of this variant in disease. Therefore, it has been classified as a Variant of Uncertain Significance. Advanced modeling of protein sequence and biophysical properties (such as structural, functional, and spatial information, amino acid conservation, physicochemical variation, residue mobility, and thermodynamic stability) has been performed at Invitae for this missense variant, however the output from this modeling did not meet the statistical confidence thresholds required to predict the impact of this variant on NLRP3 protein function. This variant has not been reported in the literature in individuals affected with NLRP3-related conditions.

Literature cited by the submitters: PubMed 28847925 (cited by Centre for Medical Genetics,  Mumbai).